The following is an entry in ClinVar:

NM_000071.3(CBS):c.1064C>T (p.Ala355Val)

Gene: CBS (cystathionine beta-synthase; minus strand). Cytogenetic location: 21q22.3.
Variant type: single nucleotide variant.
Coding change: c.1064C>T on transcript NM_000071.3 (MANE Select); coding-DNA position 1064, C replaced by T.
Protein change: p.Ala355Val; replaces alanine 355 with valine.
Molecular consequence: missense variant.
Genome position (GRCh38, 1-based): chr21:43,060,522, G>A on the plus strand (C>T on the coding strand, the complement: CBS is on the minus strand). VCF-style: chr21-43060522-G-A. GRCh37 (hg19) VCF-style: chr21-44480632-G-A.
Other names: c.1064C>T, p.Ala355Val (NM_001178008.3, NM_001178009.3, NM_001320298.2); c.749C>T, p.Ala250Val (NM_001321072.1); short protein forms A355V, A250V.
Identifiers: ClinVar variation 499847 (VCV000499847.36), dbSNP rs772384826, ClinGen allele CA321689840.
Genomic context (GRCh38, chr21:43,060,522, plus strand): 5'-GGCAGAATGACCACGCAGCGCTGGCCCTCCTGCAGCTCCTGCGCGGCCTTCACGGCCACC[G>A]CCACCGTGCTGCCAGCACTGCCACCTGCAGAGAGGGCCACGAGTCAGACGCGCCAGGGTG-3'
Protein context (NP_000062.1, residues 345-365): LCGGSAGSTV[Ala355Val]VAVKAAQELQ

ClinVar aggregate classification (germline): Conflicting classifications of pathogenicity. Review status: criteria provided, conflicting classifications (1 of 4 stars). 4 submissions from 4 submitters: Likely pathogenic (2); Uncertain significance (2). Last evaluated 2025-05-21.

Conditions:
HYPERHOMOCYSTEINEMIA, THROMBOTIC, CBS-RELATED. Identifiers: MedGen C3150344, OMIM 236200.
Classic homocystinuria. Also called: HOMOCYSTINURIA WITH OR WITHOUT RESPONSE TO PYRIDOXINE; Homocystinuria due to Cystathionine Beta-Synthase Deficiency; Homocystinuria due to CBS deficiency; Cystathionine beta-synthase deficiency; CBS deficiency. Identifiers: Orphanet 394, MedGen C0751202, MONDO:0009352, OMIM 236200.

Allele frequency attached by ClinVar (database versions not stated): ExAC 0.00001.

Submissions (4):

Myriad Genetics, Inc.
Classification: Likely pathogenic for Classic homocystinuria. Last evaluated: 2025-05-21. Review status: criteria provided, single submitter. Criteria: Myriad Autosomal Dominant, Autosomal Recessive and X-Linked Classification Criteria (2023). Collection method: clinical testing. Allele origin: unknown.
Comment: NM_000071.2(CBS):c.1064C>T(A355V) is a missense variant classified as likely pathogenic in the context of homocystinuria, CBS-related. A355V has been observed in cases with relevant disease (PMID: 29954767, 37513523, 37644014, Gusina_2022_(Article)). Relevant functional assessments of this variant are not available in the literature. A355V has not been observed in referenced population frequency databases. In summary, NM_000071.2(CBS):c.1064C>T(A355V) is a missense variant that has been observed more frequently in cases with the relevant disease than in healthy populations. Please note: this variant was assessed in the context of healthy population screening.

Labcorp Genetics (formerly Invitae), Labcorp
Classification: Uncertain significance for HYPERHOMOCYSTEINEMIA, THROMBOTIC, CBS-RELATED. Last evaluated: 2024-08-05. Review status: criteria provided, single submitter. Criteria: Invitae Variant Classification Sherloc (09022015). Collection method: clinical testing. Allele origin: germline.
Comment: This sequence change replaces alanine, which is neutral and non-polar, with valine, which is neutral and non-polar, at codon 355 of the CBS protein (p.Ala355Val). This variant is not present in population databases (gnomAD no frequency). This variant has not been reported in the literature in individuals affected with CBS-related conditions. ClinVar contains an entry for this variant (Variation ID: 499847). Advanced modeling of protein sequence and biophysical properties (such as structural, functional, and spatial information, amino acid conservation, physicochemical variation, residue mobility, and thermodynamic stability) performed at Invitae indicates that this missense variant is expected to disrupt CBS protein function with a positive predictive value of 80%. In summary, the available evidence is currently insufficient to determine the role of this variant in disease. Therefore, it has been classified as a Variant of Uncertain Significance.

CeGaT Center for Human Genetics Tuebingen
Classification: Likely pathogenic. Last evaluated: 2024-05-01. Review status: criteria provided, single submitter. Criteria: CeGaT Center For Human Genetics Tuebingen Variant Classification Criteria Version 2. Collection method: clinical testing. Allele origin: germline. Affected: yes. Observed: 2 variant alleles.
Comment: CBS: PM2, PM3, PM5, PP4:Moderate, BP4

Eurofins Ntd Llc (ga)
Classification: Uncertain significance. Last evaluated: 2017-01-10. Review status: criteria provided, single submitter. Criteria: EGL Classification Definitions 2015. Collection method: clinical testing. Allele origin: germline. Observed: 2 variant alleles, 2 heterozygotes.